The following is an entry in ClinVar:

NM_005045.4(RELN):c.4154G>A (p.Arg1385Lys)

Gene: RELN (reelin; minus strand). Cytogenetic location: 7q22.1.
Variant type: single nucleotide variant.
Coding change: c.4154G>A on transcript NM_005045.4 (MANE Select); coding-DNA position 4154, G replaced by A.
Protein change: p.Arg1385Lys; replaces arginine 1385 with lysine.
Molecular consequence: missense variant.
Genome position (GRCh38, 1-based): chr7:103,575,697, C>T on the plus strand (G>A on the coding strand, the complement: RELN is on the minus strand). VCF-style: chr7-103575697-C-T. GRCh37 (hg19) VCF-style: chr7-103216144-C-T.
Other names: c.4154G>A, p.Arg1385Lys (NM_173054.3); short protein forms R1385K.
Identifiers: ClinVar variation 4085971 (VCV004085971.8).

ClinVar aggregate classification (germline): Uncertain significance (1 of 4 stars; one submission).

Submission:

CeGaT Center for Human Genetics Tuebingen
Classification: Uncertain significance. Last evaluated: 2025-08-01. Review status: criteria provided, single submitter. Criteria: CeGaT Center For Human Genetics Tuebingen Variant Classification Criteria Version 2. Collection method: clinical testing. Allele origin: germline. Affected: yes. Observed: 1 variant allele.
Comment: RELN: PM2